The following is an entry in ClinVar:

ClinVar aggregate classification (germline): Conflicting classifications of pathogenicity. Review status: criteria provided, conflicting classifications (1 of 4 stars). 8 submissions from 7 submitters: Uncertain significance (2); Benign (2); Likely benign (3). 1 of the submissions does not count toward it. Last evaluated 2026-01-14.

Conditions:
CDH23-related disorder. Also called: CDH23-related condition; CDH23-related disorders.
Usher syndrome type 1 (USH1). Also called: RETINITIS PIGMENTOSA AND CONGENITAL DEAFNESS. Identifiers: Orphanet 231169, Orphanet 886, MedGen C1568247, MONDO:0010168, OMIM 276900.
Usher syndrome type 1D (USH1D). Also called: USHER SYNDROME, TYPE ID. Identifiers: Orphanet 231169, Orphanet 886, MedGen C1832845, MONDO:0010984, OMIM 601067.
Autosomal recessive nonsyndromic hearing loss 12. Also called: DEAFNESS, AUTOSOMAL RECESSIVE 12. Identifiers: Orphanet 90636, MedGen C1832394, MONDO:0011067, OMIM 601386.

Allele frequency attached by ClinVar (database versions not stated): gnomAD 0.00013 and 0.00017; gnomAD exomes 0.00014 and 0.00042; TOPMed 0.00020; 1000 Genomes Project 0.00040; 1000 Genomes Project 30x 0.00047; ExAC 0.00080.
gnomAD v4.1: 226 of 1,596,564 alleles (0.014%); highest among the groups gnomAD compares: East Asian, 0.45%; 2 homozygotes.

Submissions (8):

Labcorp Genetics (formerly Invitae), Labcorp
Classification: Benign. Last evaluated: 2026-01-14. Review status: criteria provided, single submitter. Criteria: Invitae Variant Classification Sherloc (09022015). Collection method: clinical testing. Allele origin: germline.

PreventionGenetics, part of Exact Sciences
Classification: Likely benign for CDH23-related condition. Last evaluated: 2024-10-08. Review status: criteria provided, single submitter. Criteria: ACMG Guidelines, 2015. Collection method: clinical testing. Allele origin: germline.
Comment: This variant is classified as likely benign based on ACMG/AMP sequence variant interpretation guidelines (Richards et al. 2015 PMID: 25741868, with internal and published modifications).

Blueprint Genetics
Classification: Likely benign. Last evaluated: 2024-05-30. Review status: criteria provided, single submitter. Criteria: ACMG Guidelines, 2015. Collection method: clinical testing. Allele origin: germline.

Laboratory for Molecular Medicine, Mass General Brigham Personalized Medicine
Classification: Benign. Last evaluated: 2017-05-22. Review status: criteria provided, single submitter. Criteria: LMM Criteria. Collection method: clinical testing. Allele origin: germline. Observed: 1 variant allele.
Comment: p.Val1908Ile in exon 44 of CDH23: This variant is not expected to have clinical significance because it has been identified in 1.3% (37/2818) of East Asian chro mosomes by the Exome Aggregation Consortium (ExAC, g; dbSNP rs368828743).

Illumina Laboratory Services, Illumina
Classification: Likely benign for Usher syndrome type 1D. Last evaluated: 2017-04-28. Review status: criteria provided, single submitter. Criteria: ICSL Variant Classification Criteria 13 December 2019. Collection method: clinical testing. Allele origin: germline.
Comment: This variant was observed as part of a predisposition screen in an ostensibly healthy population. A literature search was performed for the gene, cDNA change, and amino acid change (where applicable). No publications were found based on this search. Allele frequency data from public databases allowed determination this variant is unlikely to cause disease. Therefore, this variant is classified as likely benign.

Illumina Laboratory Services, Illumina
Classification: Uncertain significance for Autosomal recessive nonsyndromic hearing loss 12. Last evaluated: 2017-04-28. Review status: criteria provided, single submitter. Criteria: ICSL Variant Classification Criteria 13 December 2019. Collection method: clinical testing. Allele origin: germline.
Comment: This variant was observed as part of a predisposition screen in an ostensibly healthy population. A literature search was performed for the gene, cDNA change, and amino acid change (where applicable). Publications were found based on this search. However, the evidence from the literature, in combination with allele frequency data from public databases where available, was not sufficient to rule this variant in or out of causing disease. Therefore, this variant is classified as a variant of unknown significance.

Eurofins Ntd Llc (ga)
Classification: Uncertain significance. Last evaluated: 2014-07-11. Review status: criteria provided, single submitter. Criteria: EGL Classification Definitions 2015. Collection method: clinical testing. Allele origin: germline. Observed: 1 variant allele, 1 heterozygote.

Natera, Inc.
Classification: Benign for Usher syndrome type 1. Last evaluated: 2020-09-16. Review status: no assertion criteria provided. Collection method: clinical testing. Allele origin: germline. Not counted in ClinVar's aggregate classification.

Literature cited by the submitters: PubMed 17850630 (cited by Laboratory for Molecular Medicine, Mass General Brigham Personalized Medicine and Illumina Laboratory Services, Illumina); PubMed 25963016 (cited by Laboratory for Molecular Medicine, Mass General Brigham Personalized Medicine and Illumina Laboratory Services, Illumina); PubMed 22899989 (cited by Laboratory for Molecular Medicine, Mass General Brigham Personalized Medicine and Illumina Laboratory Services, Illumina); PubMed 2289998 (cited by Illumina Laboratory Services, Illumina); PubMed 25587757 (cited by Illumina Laboratory Services, Illumina).

NM_022124.6(CDH23):c.5722G>A (p.Val1908Ile)

Gene: CDH23 (cadherin related 23; plus strand). Cytogenetic location: 10q22.1.
Variant type: single nucleotide variant.
Coding change: c.5722G>A on transcript NM_022124.6 (MANE Select); coding-DNA position 5722, G replaced by A.
Protein change: p.Val1908Ile; replaces valine 1908 with isoleucine.
Molecular consequence: missense variant.
Genome position (GRCh38, 1-based): chr10:71,785,640, G>A. VCF-style: chr10-71785640-G-A. GRCh37 (hg19) VCF-style: chr10-73545397-G-A.
Other names: short protein forms V1908I.
Identifiers: ClinVar variation 197506 (VCV000197506.26), dbSNP rs368828743, ClinGen allele CA245698.